The following is an entry in ClinVar:

NM_000329.3(RPE65):c.57_58del (p.Glu20fs)

Gene: RPE65 (retinoid isomerohydrolase RPE65; minus strand). Cytogenetic location: 1p31.3.
Variant type: Deletion.
Coding change: c.57_58del on transcript NM_000329.3 (MANE Select); coding-DNA positions 57 to 58, 2 bases deleted (GG; older notation c.57_58delGG).
Protein change: p.Glu20fs; shifts the reading frame from glutamic acid 20.
Molecular consequence: frameshift variant.
Genome position (GRCh38, 1-based): chr1:68,448,660-68,448,661, CC deleted on the plus strand (GG on the coding strand, the reverse complement: RPE65 is on the minus strand). VCF-style (leftmost placement, unchanged base first): chr1-68448659-TCC-T. GRCh37 (hg19) VCF-style: chr1-68914342-TCC-T.
Other names: c.57_58del (NM_000329.2); short protein forms E20fs.
Identifiers: ClinVar variation 98877 (VCV000098877.4), dbSNP rs62642582, ClinGen allele CA226562.

ClinVar aggregate classification (germline): Pathogenic. Review status: criteria provided, multiple submitters, no conflicts (2 of 4 stars). 3 submissions from 3 submitters: Pathogenic (2). 1 of the submissions does not count toward it. Last evaluated 2024-05-14.

Conditions:
RPE65-related recessive retinopathy. Also called: Recessive RPE65 retinopathy. Identifiers: MedGen CN305526, MONDO:0100368.
RPE65-related disorder. Also called: RPE65-related condition; RPE65-related disorders. Identifiers: MedGen CN239301.

Submissions (3):

Myriad Genetics, Inc.
Classification: Pathogenic for RPE65-related recessive retinopathy. Last evaluated: 2024-05-14. Review status: criteria provided, single submitter. Criteria: Myriad Autosomal Dominant, Autosomal Recessive and X-Linked Classification Criteria (2023). Collection method: clinical testing. Allele origin: unknown.
Comment: NM_000329.2(RPE65):c.57_58delGG(E20Gfs*31) is expected to be pathogenic in the context of inherited retinal dystrophy, RPE65-related. This variant is predicted to lead to an abnormal or absent protein product due to the creation of a premature termination codon in RPE65, a gene where loss-of-function variants are known to be pathogenic. Please note: this variant was assessed in the context of healthy population screening.

Blueprint Genetics
Classification: Pathogenic for RPE65-related disorders. Last evaluated: 2019-06-26. Review status: criteria provided, single submitter. Criteria: ACMG Guidelines, 2015. Collection method: clinical testing. Allele origin: germline. Affected: yes. Observed: 2 variant alleles.

Retina International
No classification provided. Review status: no classification provided. Collection method: not provided. Allele origin: not provided. Not counted in ClinVar's aggregate classification.